The following is an entry in ClinVar:

NM_001042492.3(NF1):c.1649T>C (p.Leu550Pro)

Gene: NF1 (neurofibromin 1; plus strand). Cytogenetic location: 17q11.2.
Variant type: single nucleotide variant.
Coding change: c.1649T>C on transcript NM_001042492.3 (MANE Select); coding-DNA position 1649, T replaced by C.
Protein change: p.Leu550Pro; replaces leucine 550 with proline.
Molecular consequence: missense variant.
Genome position (GRCh38, 1-based): chr17:31,221,857, T>C. VCF-style: chr17-31221857-T-C. GRCh37 (hg19) VCF-style: chr17-29548875-T-C.
Other names: c.1649T>C, p.Leu550Pro (NM_000267.4, NM_001128147.3); short protein forms L550P.
Identifiers: ClinVar variation 322570 (VCV000322570.12), dbSNP rs886052798, ClinGen allele CA10639323.

ClinVar aggregate classification (germline): Likely pathogenic. Review status: criteria provided, multiple submitters, no conflicts (2 of 4 stars). 4 submissions from 4 submitters: Likely pathogenic (4). Last evaluated 2026-10-22.

Conditions:
Neurofibromatosis, type 1 (NF1). Also called: VON RECKLINGHAUSEN DISEASE; NEUROFIBROMATOSIS, TYPE I, SOMATIC; Neurofibromatosis, type I; Peripheral type neurofibromatosis. Identifiers: Orphanet 636, MedGen C0027831, MONDO:0018975, OMIM 162200. Disease mechanism: loss of function.

Submissions (4):

GeneDx
Classification: Likely pathogenic. Last evaluated: 2026-10-22. Review status: criteria provided, single submitter. Criteria: GeneDx Variant Classification Process June 2021. Collection method: clinical testing. Allele origin: germline.
Comment: Not observed at significant frequency in large population cohorts (gnomAD); In silico analysis supports that this missense variant has a deleterious effect on protein structure/function; This variant is associated with the following publications: (PMID: 24803665, 25541118, 33443663, 23913538, 25486365, 39843441)

ARUP Laboratories, Molecular Genetics and Genomics, ARUP Laboratories
Classification: Likely pathogenic. Last evaluated: 2024-11-12. Review status: criteria provided, single submitter. Criteria: ARUP Molecular Germline Variant Investigation Process 2024. Collection method: clinical testing. Allele origin: germline.
Comment: The NF1 c.1649T>C; p.Leu550Pro variant (rs886052798, ClinVar Variation ID: 322570) is reported in the literature in multiple individuals affected with neurofibromatosis type 1 (Hazan 2021, Sabbagh 2013). This variant is absent from the Genome Aggregation Database (v2.1.1), indicating it is not a common polymorphism. Computational analyses predict that this variant is deleterious (REVEL: 0.805). Based on available information, this variant is considered to be likely pathogenic. References: Hazan F et al. Evaluation of clinical findings and neurofibromatosis type 1 bright objects on brain magnetic resonance images of 60 Turkish patients with NF1 gene variants. Neurol Sci. 2021 May;42(5):2045-2057x. PMID: 33443663. Sabbagh A et al. NF1 molecular characterization and neurofibromatosis type I genotype-phenotype correlation: the French experience. Hum Mutat. 2013 Nov;34(11):1510-8. PMID: 23913538.

3billion
Classification: Likely pathogenic for Neurofibromatosis, type 1. Last evaluated: 2024-06-28. Review status: criteria provided, single submitter. Criteria: ACMG Guidelines, 2015. Collection method: clinical testing. Allele origin: germline. Affected: yes.
Comment: The variant is not observed in the gnomAD v4.0.0 dataset. Predicted Consequence/Location: Missense variant In silico tool predictions suggest damaging effect of the variant on gene or gene product [REVEL: 0.81 (>=0.6, sensitivity 0.68 and specificity 0.92)]. The same nucleotide change resulting in the same amino acid change has been previously reported to be associated with NF1-related disorder (PMID: 23913538 /3billion dataset). The variant has been observed in at least two similarly affected unrelated individuals (PMID: 23913538, 25541118). Therefore, this variant is classified as Likely pathogenic according to the recommendation of ACMG/AMP guideline.

Labcorp Genetics (formerly Invitae), Labcorp
Classification: Likely pathogenic for Neurofibromatosis, type 1. Last evaluated: 2024-02-14. Review status: criteria provided, single submitter. Criteria: Invitae Variant Classification Sherloc (09022015). Collection method: clinical testing. Allele origin: germline.
Comment: This sequence change replaces leucine, which is neutral and non-polar, with proline, which is neutral and non-polar, at codon 550 of the NF1 protein (p.Leu550Pro). This variant is not present in population databases (gnomAD no frequency). This missense change has been observed in individual(s) with neurofibromatosis, type 1 (PMID: 23913538, 25541118, 33443663). ClinVar contains an entry for this variant (Variation ID: 322570). Advanced modeling of protein sequence and biophysical properties (such as structural, functional, and spatial information, amino acid conservation, physicochemical variation, residue mobility, and thermodynamic stability) performed at Invitae indicates that this missense variant is expected to disrupt NF1 protein function with a positive predictive value of 95%. In summary, the currently available evidence indicates that the variant is pathogenic, but additional data are needed to prove that conclusively. Therefore, this variant has been classified as Likely Pathogenic.

Literature cited by the submitters: PubMed 23913538 (cited by 3billion and Labcorp Genetics (formerly Invitae), Labcorp); PubMed 25541118 (cited by 3billion and Labcorp Genetics (formerly Invitae), Labcorp); PubMed 33443663 (cited by Labcorp Genetics (formerly Invitae), Labcorp).